The following is an entry in ClinVar:

NM_001290060.2(SEMA3B):c.1418G>C (p.Gly473Ala)

Gene: SEMA3B (semaphorin 3B; plus strand). Cytogenetic location: 3p21.31.
Variant type: single nucleotide variant.
Coding change: c.1418G>C on transcript NM_001290060.2 (MANE Select); coding-DNA position 1418, G replaced by C.
Protein change: p.Gly473Ala; replaces glycine 473 with alanine.
Molecular consequence: missense variant. On other transcripts: non-coding transcript variant (1).
Genome position (GRCh38, 1-based): chr3:50,274,903, G>C. VCF-style: chr3-50274903-G-C. GRCh37 (hg19) VCF-style: chr3-50312334-G-C.
Other names: c.1415G>C, p.Gly472Ala (NM_001005914.3); c.1433G>C, p.Gly478Ala (NM_001290061.1); c.389G>C, p.Gly130Ala (NM_001290062.2, NM_001290063.2); c.1418G>C, p.Gly473Ala (NM_004636.4); short protein forms G130A, G472A, G473A, G478A.
Identifiers: ClinVar variation 3354500 (VCV003354500.1).
Genomic context (GRCh38, chr3:50,274,903, plus strand): 5'-ACGTTGGCACGGTGCTGAAGGTGATCTCGGTCCCCAAGGGCAGTAGGCCCAGCGCAGAGG[G>C]GCTGCTCCTGGAGGAGCTGCACGTGTTTGAGGTGAGGCCTCACCCCCAGTCGCCCGGGAC-3'
Protein context (NP_001276989.1, residues 463-483): VPKGSRPSAE[Gly473Ala]LLLEELHVFE

ClinVar aggregate classification (germline): Likely benign (0 of 4 stars; one submission).

Conditions:
SEMA3B-related disorder. Also called: SEMA3B-related condition.

Submission:

PreventionGenetics, part of Exact Sciences
Classification: Likely benign for SEMA3B-related condition. Last evaluated: 2023-09-06. Review status: no assertion criteria provided. Collection method: clinical testing. Allele origin: germline.
Comment: This variant is classified as likely benign based on ACMG/AMP sequence variant interpretation guidelines (Richards et al. 2015 PMID: 25741868, with internal and published modifications).